The following is an entry in ClinVar:

ClinVar aggregate classification (germline): Uncertain significance. Review status: criteria provided, multiple submitters, no conflicts (2 of 4 stars). 2 submissions from 2 submitters: Uncertain significance (2). Last evaluated 2026-07-11.

Conditions:
Lynch syndrome 5 (LYNCH5). Also called: Colorectal cancer, hereditary nonpolyposis, type 5; Hereditary non-polyposis colorectal cancer, type 5. Identifiers: Orphanet 144, MedGen C1833477, MONDO:0013710, OMIM 614350. Disease mechanism: loss of function.
Hereditary cancer-predisposing syndrome. Also called: Neoplastic Syndromes, Hereditary; Tumor predisposition; Hereditary Cancer Syndrome; Hereditary neoplastic syndrome. Identifiers: Orphanet 140162, MedGen C0027672, MeSH D009386, MONDO:0015356.

Submissions (2):

Ambry Genetics
Classification: Uncertain significance for Hereditary cancer-predisposing syndrome. Last evaluated: 2026-07-11. Review status: criteria provided, single submitter. Criteria: Ambry Variant Classification Scheme 2023. Collection method: clinical testing. Allele origin: germline.
Comment: The p.L758P variant (also known as c.2273T>C), located in coding exon 4 of the MSH6 gene, results from a T to C substitution at nucleotide position 2273. The leucine at codon 758 is replaced by proline, an amino acid with similar properties. This amino acid position is conserved. In addition, this alteration is predicted to be deleterious by in silico analysis. Based on the available evidence, the clinical significance of this variant remains unclear.

Molecular Pathology, Peter Maccallum Cancer Centre
Classification: Uncertain significance for Lynch syndrome 5. Last evaluated: 2025-05-22. Review status: criteria provided, single submitter. Criteria: ACMG Guidelines, 2015. Collection method: clinical testing. Allele origin: germline. Inheritance: Autosomal dominant inheritance.

NM_000179.3(MSH6):c.2273T>C (p.Leu758Pro)

Gene: MSH6 (mutS homolog 6; plus strand). Cytogenetic location: 2p16.3.
Variant type: single nucleotide variant.
Coding change: c.2273T>C on transcript NM_000179.3 (MANE Select); coding-DNA position 2273, T replaced by C.
Protein change: p.Leu758Pro; replaces leucine 758 with proline.
Molecular consequence: missense variant. On other transcripts: non-coding transcript variant (5), intron variant (2).
Genome position (GRCh38, 1-based): chr2:47,800,256, T>C. VCF-style: chr2-47800256-T-C. GRCh37 (hg19) VCF-style: chr2-48027395-T-C.
Other names: c.1883T>C, p.Leu628Pro (NM_001281492.2); c.1367T>C, p.Leu456Pro (NM_001281493.2, NM_001281494.2, NM_001406811.1 and 6 more transcripts); c.2369T>C, p.Leu790Pro (NM_001406795.1, NM_001406802.1); c.2273T>C, p.Leu758Pro (NM_001406796.1, NM_001406808.1, NM_001406809.1 and 3 more transcripts); c.1748T>C, p.Leu583Pro (NM_001406806.1, NM_001406807.1, NM_001406799.1); c.2279T>C, p.Leu760Pro (NM_001406813.1); c.1976T>C, p.Leu659Pro (NM_001406797.1, NM_001406801.1, NM_001406805.1 and 10 more transcripts); c.2195T>C, p.Leu732Pro (NM_001406804.1); and 3 more; short protein forms L456P, L702P, L760P, L790P, L628P, L758P, L583P, L659P.
Identifiers: ClinVar variation 4056236 (VCV004056236.2).